The following is an entry in ClinVar:

NM_018100.4(EFHC1):c.28C>G (p.Pro10Ala)

Gene: EFHC1 (EF-hand domain containing 1; plus strand). Cytogenetic location: 6p12.2.
Variant type: single nucleotide variant.
Coding change: c.28C>G on transcript NM_018100.4 (MANE Select); coding-DNA position 28, C replaced by G.
Protein change: p.Pro10Ala; replaces proline 10 with alanine.
Molecular consequence: missense variant. On other transcripts: non-coding transcript variant (1).
Genome position (GRCh38, 1-based): chr6:52,420,438, C>G. VCF-style: chr6-52420438-C-G. GRCh37 (hg19) VCF-style: chr6-52285236-C-G.
Other names: short protein forms P10A.
Identifiers: ClinVar variation 842365 (VCV000842365.11), dbSNP rs1764162488, ClinGen allele CA364456257.

ClinVar aggregate classification (germline): Uncertain significance (1 of 4 stars; one submission).

Conditions:
Absence seizure. Also called: Absence epilepsy. Identifiers: Orphanet 1941, MedGen C0014553.
Myoclonic epilepsy, juvenile, susceptibility to, 1. Also called: Myoclonic Epilepsy, Juvenile, 1; EJM1. Identifiers: MedGen C1850778, MONDO:0020752, OMIM 254770.

Submission:

Labcorp Genetics (formerly Invitae), Labcorp
Classification: Uncertain significance for Myoclonic epilepsy, juvenile, susceptibility to, 1; Absence seizure. Last evaluated: 2019-01-26. Review status: criteria provided, single submitter. Criteria: Invitae Variant Classification Sherloc (09022015). Collection method: clinical testing. Allele origin: germline.
Comment: This variant is not present in population databases (ExAC no frequency). This sequence change replaces proline with alanine at codon 10 of the EFHC1 protein (p.Pro10Ala). The proline residue is highly conserved and there is a small physicochemical difference between proline and alanine. This variant has not been reported in the literature in individuals with EFHC1-related conditions. Algorithms developed to predict the effect of missense changes on protein structure and function are either unavailable or do not agree on the potential impact of this missense change (SIFT: "Deleterious"; PolyPhen-2: "Benign"; Align-GVGD: "Class C25"). In summary, the available evidence is currently insufficient to determine the role of this variant in disease. Therefore, it has been classified as a Variant of Uncertain Significance.